The following is an entry in ClinVar:

NM_001048174.2(MUTYH):c.566G>A (p.Arg189His)

Gene: MUTYH (mutY DNA glycosylase; minus strand). Cytogenetic location: 1p34.1.
Variant type: single nucleotide variant.
Coding change: c.566G>A on transcript NM_001048174.2 (MANE Select); coding-DNA position 566, G replaced by A.
Protein change: p.Arg189His; replaces arginine 189 with histidine.
Molecular consequence: missense variant. On other transcripts: non-coding transcript variant (2).
Genome position (GRCh38, 1-based): chr1:45,332,614, C>T on the plus strand (G>A on the coding strand, the complement: MUTYH is on the minus strand). VCF-style: chr1-45332614-C-T. GRCh37 (hg19) VCF-style: chr1-45798286-C-T.
Other names: c.566G>A, p.Arg189His (NM_001048171.2, NM_001048173.2, NM_001293195.2); c.569G>A, p.Arg190His (NM_001048172.2); c.650G>A, p.Arg217His (NM_001128425.2); c.611G>A, p.Arg204His (NM_001293190.2); c.599G>A, p.Arg200His (NM_001293191.2); c.290G>A, p.Arg97His (NM_001293192.2, NM_001293196.2); c.221G>A, p.Arg74His (NM_001350650.2, NM_001350651.2); c.641G>A, p.Arg214His (NM_012222.3); short protein forms R217H, R203H, R97H, R189H, R200H, R214H, R204H, R74H.
Identifiers: ClinVar variation 140830 (VCV000140830.42), dbSNP rs147754007, ClinGen allele CA014050.

ClinVar aggregate classification (germline): Conflicting classifications of pathogenicity. Review status: criteria provided, conflicting classifications (1 of 4 stars). 15 submissions from 14 submitters: Uncertain significance (12); Likely benign (1). 2 of the submissions do not count toward it. Last evaluated 2026-05-12.
ClinVar aggregate classification (oncogenicity): Uncertain significance (1 of 4 stars; one submission).

Conditions:
MUTYH-related disorder. Also called: MUTYH-related condition; MUTYH-related disorders.
Hereditary cancer-predisposing syndrome. Also called: Tumor predisposition; Neoplastic Syndromes, Hereditary; Hereditary neoplastic syndrome; Hereditary Cancer Syndrome. Identifiers: Orphanet 140162, MedGen C0027672, MeSH D009386, MONDO:0015356.
Carcinoma of colon (CRC). Also called: Colonic carcinoma; Colon carcinoma. Identifiers: MedGen C0699790, MONDO:0002032.
Familial adenomatous polyposis 2. Also called: MYH-associated polyposis; COLORECTAL ADENOMATOUS POLYPOSIS, AUTOSOMAL RECESSIVE; ADENOMAS, MULTIPLE COLORECTAL, AUTOSOMAL RECESSIVE; FAP type 2; MUTYH-related attenuated familial adenomatous polyposis; MUTYH-associated polyposis. Identifiers: Orphanet 220460, Orphanet 247798, MedGen C3272841, MONDO:0012041, OMIM 608456.
Neoplasm. Also called: tumor; Neoplasms; Neoplasm (disease). Identifiers: MedGen C0027651, MeSH D009369, MONDO:0005070, HP:0002664.

Allele frequency attached by ClinVar (database versions not stated): gnomAD 0.00008 and 0.00010; TOPMed 0.00009; ESP Exome Variant Server 0.00015; gnomAD exomes 0.00002 and 0.00003; ExAC 0.00004.

Submissions 1 to 8 of 16:

PreventionGenetics, part of Exact Sciences
Classification: Uncertain significance for MUTYH-related condition. Last evaluated: 2026-05-12. Review status: criteria provided, single submitter. Criteria: ACMG Guidelines, 2015. Collection method: clinical testing. Allele origin: germline.
Comment: The MUTYH c.650G>A variant is predicted to result in the amino acid substitution p.Arg217His. This variant has been reported in the heterozygous state in an individual with colorectal cancer (Schulz et al. 2014. PubMed ID: 25307848), and has been reported in at least one additional individual with hereditary cancers (Table S5, Schrader et al. 2016. PubMed ID: 26556299) and another with multiple colorectal adenomas (reported as p.Arg203His in Olschwang et al. 2007. PubMed ID: 17949294). It has also been reported along with a second MUTYH variant in an individual with MUTYH-associated polyposis (Table S2, Thomas et al. 2021. PubMed ID: 33130102). This variant is reported in 0.012% of alleles in individuals of African descent in gnomAD and is interpreted as uncertain in ClinVar (variation ID: 140830). At this time, the clinical significance of this variant is uncertain due to the absence of conclusive functional and genetic evidence.

Labcorp Genetics (formerly Invitae), Labcorp
Classification: Uncertain significance for Familial adenomatous polyposis 2. Last evaluated: 2026-02-01. Review status: criteria provided, single submitter. Criteria: Invitae Variant Classification Sherloc (09022015). Collection method: clinical testing. Allele origin: germline.
Comment: This sequence change replaces arginine, which is basic and polar, with histidine, which is basic and polar, at codon 217 of the MUTYH protein (p.Arg217His). This variant is present in population databases (rs147754007, gnomAD 0.01%). This missense change has been observed in individual(s) with colorectal adenomas and/or colorectal cancer (PMID: 17949294, 25307848, 33130102, 34326862, 35957908). ClinVar contains an entry for this variant (Variation ID: 140830). An algorithm developed to predict the effect of missense changes on protein structure and function (PolyPhen-2) suggests that this variant is likely to be disruptive. In summary, the available evidence is currently insufficient to determine the role of this variant in disease. Therefore, it has been classified as a Variant of Uncertain Significance.

Ambry Genetics
Classification: Likely benign for Hereditary cancer-predisposing syndrome. Last evaluated: 2025-09-09. Review status: criteria provided, single submitter. Criteria: Ambry Variant Classification Scheme 2023. Collection method: clinical testing. Allele origin: germline.

Center for Genomic Medicine, Rigshospitalet, Copenhagen University Hospital
Classification: Uncertain significance for Neoplasm. Last evaluated: 2025-03-04. Review status: criteria provided, single submitter. Criteria: ClinGen/CGC/VICC Guidelines for Oncogenicity, 2022. Collection method: clinical testing. Allele origin: somatic. Affected: yes.

Quest Diagnostics Nichols Institute San Juan Capistrano
Classification: Uncertain significance. Last evaluated: 2025-01-23. Review status: criteria provided, single submitter. Criteria: Quest Diagnostics criteria. Collection method: clinical testing. Allele origin: unknown.
Comment: The MUTYH c.650G>A (p.Arg217His) variant has been reported in the published literature in individuals with colorectal adenomas (PMID: 17949294 (2007)), MUTYH-associated polyposis (MAP) (PMID: 33130102 (2021)), familial colorectal cancer type X (FCCTX) (PMID: 25307848 (2014)), and breast cancer (PMID: 35264596 (2022), 38136276 (2023)). In a large scale breast cancer association study, this variant has been observed in breast cancer cases and reportedly healthy individuals (PMID: 33471991 (2021), see also LOVD). The frequency of this variant in the general population (Genome Aggregation Database) is uninformative in the assessment of its pathogenicity. Analysis of this variant using bioinformatics tools for the prediction of the effect of amino acid changes on protein structure and function yielded predictions that this variant is damaging. Based on the available information, we are unable to determine the clinical significance of this variant.

Baylor Genetics
Classification: Uncertain significance for Familial adenomatous polyposis 2. Last evaluated: 2024-03-22. Review status: criteria provided, single submitter. Criteria: ACMG Guidelines, 2015. Collection method: clinical testing. Allele origin: unknown.

All of Us Research Program, National Institutes of Health
Classification: Uncertain significance for Familial adenomatous polyposis 2. Last evaluated: 2023-10-30. Review status: criteria provided, single submitter. Criteria: ACMG Guidelines, 2015. Collection method: clinical testing. Allele origin: germline. Inheritance: Autosomal recessive inheritance. Observed: 8 variant alleles, 8 heterozygotes.
Comment: This missense variant replaces arginine with histidine at codon 217 of the MUTYH protein. Computational prediction tools and conservation analyses suggest that this variant may have deleterious impact on protein structure and function. Splice site prediction tools suggest that this variant may not impact RNA splicing. To our knowledge, functional studies have not been performed for this variant. This variant has been reported in the compound heterozygous state in an individual affected with MUTYH-associated polyposis (PMID: 33130102). This variant has also been reported in an individual affected with colorectal adenomas (PMID 17949294), a family with familial colorectal cancer (however, the variant did not segregate with the disease; PMID 25307848), an individual with unspecified cancer (PMID: 26556299), individuals affected with breast cancer and healthy controls (PMID: 33471991). This variant has been identified in 11/282760 chromosomes in the general population by the Genome Aggregation Database (gnomAD). The available evidence is insufficient to determine the role of this variant in disease conclusively. Therefore, this variant is classified as a Variant of Uncertain Significance.

This study involves interpretation of variants in research participants for the purpose of population health screening. Participant phenotype was not available at the time of variant classification. Additional details can be found in publication PMID: 35346344, PMCID: PMC8962531

Color Diagnostics, LLC DBA Color Health
Classification: Uncertain significance for Hereditary cancer-predisposing syndrome. Last evaluated: 2023-05-08. Review status: criteria provided, single submitter. Criteria: ACMG Guidelines, 2015. Collection method: clinical testing. Allele origin: germline.
Comment: This missense variant replaces arginine with histidine at codon 217 of the MUTYH protein. Computational prediction tools and conservation analyses suggest that this variant may have deleterious impact on protein structure and function. To our knowledge, functional studies have not been performed for this variant. This variant has been reported in the compound heterozygous state in an individual affected with MUTYH-associated polyposis (PMID: 33130102). This variant has also been reported in an individual affected with colorectal adenomas (PMID 17949294), a family with familial colorectal cancer (however, the variant did not segregate with the disease; PMID 25307848), an individual with unspecified cancer (PMID: 26556299), individuals affected with breast cancer, and healthy controls (PMID: 33471991, 35980532; DOI: 10.3390/biomedicines11051386). This variant has been identified in 11/282760 chromosomes in the general population by the Genome Aggregation Database (gnomAD). The available evidence is insufficient to determine the role of this variant in disease conclusively. Therefore, this variant is classified as a Variant of Uncertain Significance.